The following is an entry in ClinVar:

NM_004667.6(HERC2):c.12914G>A (p.Arg4305His)

Gene: HERC2 (HECT and RLD domain containing E3 ubiquitin protein ligase 2; minus strand). Cytogenetic location: 15q13.1.
Variant type: single nucleotide variant.
Coding change: c.12914G>A on transcript NM_004667.6 (MANE Select); coding-DNA position 12914, G replaced by A.
Protein change: p.Arg4305His; replaces arginine 4305 with histidine.
Molecular consequence: missense variant.
Genome position (GRCh38, 1-based): chr15:28,125,082, C>T on the plus strand (G>A on the coding strand, the complement: HERC2 is on the minus strand). VCF-style: chr15-28125082-C-T. GRCh37 (hg19) VCF-style: chr15-28370228-C-T.
Other names: short protein forms R4305H.
Identifiers: ClinVar variation 1317296 (VCV001317296.2), dbSNP rs139596817, ClinGen allele CA7440185.

ClinVar aggregate classification (germline): Uncertain significance (1 of 4 stars; one submission).

Allele frequency attached by ClinVar (database versions not stated): ExAC 0.00002; gnomAD exomes 0.00002; TOPMed 0.00002; gnomAD 0.00003; 1000 Genomes Project 30x 0.00031; 1000 Genomes Project 0.00040.
gnomAD v4.1: 36 of 1,614,054 alleles (0.0022%); highest among the groups gnomAD compares: East Asian, 0.0045%; no homozygotes.

Submission:

GeneDx
Classification: Uncertain significance. Last evaluated: 2020-07-07. Review status: criteria provided, single submitter. Criteria: GeneDx Variant Classification Process June 2021. Collection method: clinical testing. Allele origin: germline. Affected: yes.
Comment: In silico analysis supports that this missense variant has a deleterious effect on protein structure/function; Has not been previously published as pathogenic or benign to our knowledge